The following is an entry in ClinVar:

NM_001018115.3(FANCD2):c.989+6G>A

Genes: FANCD2 (FA complementation group D2; plus strand), LOC107303338 (3p25 FANCD2 Alu-mediated recombination region; plus strand). Cytogenetic location: 3p25.3.
Variant type: single nucleotide variant.
Coding change: c.989+6G>A on transcript NM_001018115.3 (MANE Select); 6 bases into the intron after coding-DNA position 989, G replaced by A.
Molecular consequence: intron variant.
Genome position (GRCh38, 1-based): chr3:10,043,156, G>A. VCF-style: chr3-10043156-G-A. GRCh37 (hg19) VCF-style: chr3-10084840-G-A.
Other names: c.989+6G>A (NM_001319984.2, NM_001374253.1, NM_033084.6 and 1 more transcripts).
Identifiers: ClinVar variation 3655951 (VCV003655951.2).
Genomic context (GRCh38, chr3:10,043,156, plus strand): 5'-TGCCATCACGGTTACAGGCTTCCCAAGTAAAGTTGAAAAGTAAAGGACGAGCAAGGTAAA[G>A]AGCTCATCCTCACACAGGATGTCACAATTTTCTGACATCCCACTGTCAGAGTTAGAGCTT-3'

ClinVar aggregate classification (germline): Uncertain significance (1 of 4 stars; one submission).

Conditions:
Fanconi anemia (FA). Also called: Fanconi's anemia. Identifiers: Orphanet 84, MedGen C0015625, MeSH D005199, MONDO:0019391.

Submission:

Labcorp Genetics (formerly Invitae), Labcorp
Classification: Uncertain significance for Fanconi anemia. Last evaluated: 2024-06-09. Review status: criteria provided, single submitter. Criteria: Invitae Variant Classification Sherloc (09022015). Collection method: clinical testing. Allele origin: germline.
Comment: This sequence change falls in intron 12 of the FANCD2 gene. It does not directly change the encoded amino acid sequence of the FANCD2 protein. It affects a nucleotide within the consensus splice site. This variant is not present in population databases (gnomAD no frequency). This variant has not been reported in the literature in individuals affected with FANCD2-related conditions. Variants that disrupt the consensus splice site are a relatively common cause of aberrant splicing (PMID: 17576681, 9536098). Algorithms developed to predict the effect of sequence changes on RNA splicing suggest that this variant is not likely to affect RNA splicing. In summary, the available evidence is currently insufficient to determine the role of this variant in disease. Therefore, it has been classified as a Variant of Uncertain Significance.

Literature cited by the submitters: PubMed 17576681; PubMed 9536098.